The following is an entry in ClinVar:

ClinVar aggregate classification (germline): Uncertain significance (1 of 4 stars; one submission).

Conditions:
Hereditary cancer-predisposing syndrome. Also called: Hereditary Cancer Syndrome; Neoplastic Syndromes, Hereditary; Tumor predisposition; Hereditary neoplastic syndrome. Identifiers: Orphanet 140162, MedGen C0027672, MeSH D009386, MONDO:0015356.

Submission:

Ambry Genetics
Classification: Uncertain significance for Hereditary cancer-predisposing syndrome. Last evaluated: 2021-06-14. Review status: criteria provided, single submitter. Criteria: Ambry Variant Classification Scheme 2023. Collection method: clinical testing. Allele origin: germline.
Comment: The p.K1754E variant (also known as c.5260A>G), located in coding exon 34 of the ATM gene, results from an A to G substitution at nucleotide position 5260. The lysine at codon 1754 is replaced by glutamic acid, an amino acid with similar properties. This amino acid position is highly conserved in available vertebrate species. In addition, this alteration is predicted to be deleterious by in silico analysis. Since supporting evidence is limited at this time, the clinical significance of this alteration remains unclear.

NM_000051.4(ATM):c.5260A>G (p.Lys1754Glu)

Gene: ATM (ATM serine/threonine kinase; plus strand). Cytogenetic location: 11q22.3.
Variant type: single nucleotide variant.
Coding change: c.5260A>G on transcript NM_000051.4 (MANE Select); coding-DNA position 5260, A replaced by G.
Protein change: p.Lys1754Glu; replaces lysine 1754 with glutamic acid.
Molecular consequence: missense variant.
Genome position (GRCh38, 1-based): chr11:108,301,730, A>G. VCF-style: chr11-108301730-A-G. GRCh37 (hg19) VCF-style: chr11-108172457-A-G.
Other names: c.5260A>G, p.Lys1754Glu (NM_001351834.2); short protein forms K1754E.
Identifiers: ClinVar variation 1746444 (VCV001746444.2), dbSNP rs2135913918, ClinGen allele CA382542533.